The following is an entry in ClinVar:

ClinVar aggregate classification (germline): Pathogenic (1 of 4 stars; one submission).

Conditions:
Hereditary cancer-predisposing syndrome. Also called: Tumor predisposition; Hereditary Cancer Syndrome; Hereditary neoplastic syndrome; Neoplastic Syndromes, Hereditary. Identifiers: Orphanet 140162, MedGen C0027672, MeSH D009386, MONDO:0015356.

Submission:

Ambry Genetics
Classification: Pathogenic for Hereditary cancer-predisposing syndrome. Last evaluated: 2026-02-04. Review status: criteria provided, single submitter. Criteria: Ambry Variant Classification Scheme 2023. Collection method: clinical testing. Allele origin: germline.
Comment: The c.652_653dupCC pathogenic mutation, located in coding exon 4 of the RET gene, results from a duplication of CC at nucleotide position 652, causing a translational frameshift with a predicted alternate stop codon (p.D219Rfs*6). This variant was reported in individual(s) with features consistent with Hirschsprung disease (Ambry internal data). This alteration is expected to result in loss of function by premature protein truncation or nonsense-mediated mRNA decay. Loss-of-function variants in RET are known to cause Hirschsprung disease; however, such associations with Multiple Endocrine Neoplasia Type-2 (MEN2) have not been observed (Amiel J and Lyonnet S. J Med Genet. 2001 Nov;38(11):729-39; Wagner SM et al. Clinics (Sao Paulo). 2012;67 Suppl 1(Suppl 1):77-84). Based on the supporting evidence, this alteration is pathogenic for Hirschsprung disease; however, the association of this alteration with MEN2 is unlikely.

NM_020975.6(RET):c.652_653dup (p.Asp219fs)

Gene: RET (ret proto-oncogene; plus strand). Cytogenetic location: 10q11.21.
Variant type: Duplication.
Coding change: c.652_653dup on transcript NM_020975.6 (MANE Select); coding-DNA positions 652 to 653, 2 bases duplicated (CC; older notation c.652_653dupCC).
Protein change: p.Asp219fs; shifts the reading frame from aspartic acid 219.
Molecular consequence: frameshift variant.
Genome position (GRCh38, 1-based): chr10:43,104,978-43,104,979, CC duplicated; duplicating any 2 consecutive bases within chr10:43,104,976-43,104,979 gives the same sequence; the c. name uses the placement nearest the transcript's 3' end. VCF-style (leftmost placement, unchanged base first): chr10-43104975-G-GCC. GRCh37 (hg19) VCF-style: chr10-43600423-G-GCC.
Other names: c.652_653dup, p.Asp219Argfs (NM_000323.2, NM_001406743.1, NM_001406744.1 and 8 more transcripts); c.-111_-110dup (NM_001355216.2); c.523_524dup, p.Asp176Argfs (NM_001406761.1, NM_001406762.1, NM_001406764.1 and 2 more transcripts); c.364_365dup, p.Asp123Argfs (NM_001406766.1, NM_001406767.1, NM_001406770.1); c.652_653dupCC (NM_020975.4); short protein forms D219fs.
Identifiers: ClinVar variation 1754024 (VCV001754024.3), dbSNP rs2538384541, ClinGen allele CA2580081505.